The following is an entry in ClinVar:

NM_000070.3(CAPN3):c.1999G>T (p.Glu667Ter)

Gene: CAPN3 (calpain 3; plus strand). Cytogenetic location: 15q15.1.
Variant type: single nucleotide variant.
Coding change: c.1999G>T on transcript NM_000070.3 (MANE Select); coding-DNA position 1999, G replaced by T.
Protein change: p.Glu667Ter; replaces glutamic acid 667 with a stop codon.
Molecular consequence: nonsense.
Genome position (GRCh38, 1-based): chr15:42,409,793, G>T. VCF-style: chr15-42409793-G-T. GRCh37 (hg19) VCF-style: chr15-42701991-G-T.
Other names: c.1981G>T, p.Glu661Ter (NM_024344.2); c.1723G>T, p.Glu575Ter (NM_173087.2); c.463G>T, p.Glu155Ter (NM_173088.2); c.4G>T, p.Glu2Ter (NM_173089.2, NM_173090.2); short protein forms E155*, E2*, E575*, E661*, E667*.
Identifiers: ClinVar variation 1071948 (VCV001071948.7), dbSNP rs2141221307, ClinGen allele CA392001331.

ClinVar aggregate classification (germline): Pathogenic (1 of 4 stars; one submission).

Conditions:
Autosomal recessive limb-girdle muscular dystrophy type 2A (LGMDR1). Also called: LEYDEN-MOEBIUS MUSCULAR DYSTROPHY; MUSCULAR DYSTROPHY, PELVOFEMORAL; Limb-girdle muscular dystrophy, type 2A; Calpainopathy; Muscular dystrophy, limb-girdle, type 2A, Amish. Identifiers: Orphanet 267, MedGen C1869123, MONDO:0009675, OMIM 253600. Disease mechanism: loss of function.

Submission:

Labcorp Genetics (formerly Invitae), Labcorp
Classification: Pathogenic for Autosomal recessive limb-girdle muscular dystrophy type 2A. Last evaluated: 2020-10-12. Review status: criteria provided, single submitter. Criteria: Invitae Variant Classification Sherloc (09022015). Collection method: clinical testing. Allele origin: germline.
Comment: For these reasons, this variant has been classified as Pathogenic. Loss-of-function variants in CAPN3 are known to be pathogenic (PMID: 10330340, 15689361). This variant has not been reported in the literature in individuals with CAPN3-related conditions. This variant is not present in population databases (ExAC no frequency). This sequence change creates a premature translational stop signal (p.Glu667*) in the CAPN3 gene. It is expected to result in an absent or disrupted protein product.

Literature cited by the submitters: PubMed 10330340; PubMed 15689361.